The following is an entry in ClinVar:

ClinVar aggregate classification (germline): Conflicting classifications of pathogenicity. Review status: criteria provided, conflicting classifications (1 of 4 stars). 2 submissions from 2 submitters: Uncertain significance (1); Likely benign (1). Last evaluated 2025-08-04.

Conditions:
Hereditary cancer-predisposing syndrome. Also called: Hereditary neoplastic syndrome; Tumor predisposition; Neoplastic Syndromes, Hereditary; Hereditary Cancer Syndrome. Identifiers: Orphanet 140162, MedGen C0027672, MeSH D009386, MONDO:0015356.
Carney complex, type 1 (CNC1). Also called: CARNEY COMPLEX, TYPE I; CARNEY MYXOMA-ENDOCRINE COMPLEX. Identifiers: Orphanet 1359, MedGen C2607929, MONDO:0008057, OMIM 160980.

Allele frequency attached by ClinVar (database versions not stated): TOPMed 0.00002; ExAC 0.00001.
gnomAD v4.1: 21 of 1,613,984 alleles (0.0013%); highest among the groups gnomAD compares: Non-Finnish European, 0.0018%; no homozygotes.

Submissions (2):

Labcorp Genetics (formerly Invitae), Labcorp
Classification: Uncertain significance for Carney complex, type 1. Last evaluated: 2025-08-04. Review status: criteria provided, single submitter. Criteria: Invitae Variant Classification Sherloc (09022015). Collection method: clinical testing. Allele origin: germline.
Comment: This sequence change replaces threonine, which is neutral and polar, with serine, which is neutral and polar, at codon 73 of the PRKAR1A protein (p.Thr73Ser). This variant is present in population databases (rs769706055, gnomAD 0.002%). This variant has not been reported in the literature in individuals affected with PRKAR1A-related conditions. ClinVar contains an entry for this variant (Variation ID: 657011). Invitae Evidence Modeling of protein sequence and biophysical properties (such as structural, functional, and spatial information, amino acid conservation, physicochemical variation, residue mobility, and thermodynamic stability) indicates that this missense variant is not expected to disrupt PRKAR1A protein function with a negative predictive value of 95%. In summary, the available evidence is currently insufficient to determine the role of this variant in disease. Therefore, it has been classified as a Variant of Uncertain Significance.

Ambry Genetics
Classification: Likely benign for Hereditary cancer-predisposing syndrome. Last evaluated: 2017-10-18. Review status: criteria provided, single submitter. Criteria: Ambry Variant Classification Scheme 2023. Collection method: clinical testing. Allele origin: germline.

NM_002734.5(PRKAR1A):c.218C>G (p.Thr73Ser)

Gene: PRKAR1A (protein kinase cAMP-dependent type I regulatory subunit alpha; plus strand). Cytogenetic location: 17q24.2.
Variant type: single nucleotide variant.
Coding change: c.218C>G on transcript NM_002734.5 (MANE Select); coding-DNA position 218, C replaced by G.
Protein change: p.Thr73Ser; replaces threonine 73 with serine.
Molecular consequence: missense variant.
Genome position (GRCh38, 1-based): chr17:68,522,796, C>G. VCF-style: chr17-68522796-C-G. GRCh37 (hg19) VCF-style: chr17-66518937-C-G.
Other names: c.218C>G, p.Thr73Ser (NM_001276289.2, NM_001276290.1, NM_001278433.2 and 4 more transcripts); short protein forms T73S.
Identifiers: ClinVar variation 657011 (VCV000657011.10), dbSNP rs769706055, ClinGen allele CA8729194.